The following is an entry in ClinVar:

ClinVar aggregate classification (germline): Likely benign (1 of 4 stars; one submission).

gnomAD v4.1: 2 of 1,611,078 alleles (0.00012%); highest among the groups gnomAD compares: Non-Finnish European, 0.00017%; no homozygotes.

Submission:

CeGaT Center for Human Genetics Tuebingen
Classification: Likely benign. Last evaluated: 2024-07-01. Review status: criteria provided, single submitter. Criteria: CeGaT Center For Human Genetics Tuebingen Variant Classification Criteria Version 2. Collection method: clinical testing. Allele origin: germline. Affected: yes. Observed: 1 variant allele.
Comment: POPDC1: BP4, BP7

NM_001199563.2(POPDC1):c.21C>T (p.Ser7=)

Gene: POPDC1 (popeye domain cAMP effector 1; minus strand). Cytogenetic location: 6q21.
Variant type: single nucleotide variant.
Coding change: c.21C>T on transcript NM_001199563.2 (MANE Select); coding-DNA position 21, C replaced by T.
Protein change: p.Ser7=; no amino-acid change (serine 7 retained).
Molecular consequence: synonymous variant.
Genome position (GRCh38, 1-based): chr6:105,133,557, G>A on the plus strand (C>T on the coding strand, the complement: POPDC1 is on the minus strand). VCF-style: chr6-105133557-G-A. GRCh37 (hg19) VCF-style: chr6-105581432-G-A.
Other names: c.21C>T, p.Ser7= (NM_007073.4, NM_147147.4).
Identifiers: ClinVar variation 3257141 (VCV003257141.17).